The following is an entry in ClinVar:

ClinVar aggregate classification (germline): Uncertain significance (1 of 4 stars; one submission).

Conditions:
Oculocutaneous albinism type 6 (OCA6). Also called: Albinism, oculocutaneous, type VI. Identifiers: Orphanet 370097, MedGen C3805375, MONDO:0018264, OMIM 113750.

Submission:

Department of Clinical Genetics, Copenhagen University Hospital, Rigshospitalet
Classification: Uncertain significance for Oculocutaneous albinism type 6. Last evaluated: 2025-05-23. Review status: criteria provided, single submitter. Criteria: ACMG Guidelines, 2015. Collection method: clinical testing. Allele origin: germline.
Comment: The following ACMG criteria has been used: PM2_sup, PM3, PS3_mod

Literature cited by the submitters: PubMed 34870899.

NM_205850.3(SLC24A5):c.598G>A (p.Gly200Arg)

Genes: MYEF2 (myelin expression factor 2; minus strand), SLC24A5 (solute carrier family 24 member 5; plus strand). Cytogenetic location: 15q21.1.
Variant type: single nucleotide variant.
Coding change: c.598G>A on transcript NM_205850.3 (MANE Select); coding-DNA position 598, G replaced by A.
Protein change: p.Gly200Arg; replaces glycine 200 with arginine.
Molecular consequence: missense variant. On other transcripts: 3 prime UTR variant (2).
Genome position (GRCh38, 1-based): chr15:48,136,690, G>A. VCF-style: chr15-48136690-G-A. GRCh37 (hg19) VCF-style: chr15-48428887-G-A.
Other names: c.*6218C>T (NM_001301210.2, NM_016132.5); short protein forms G200R.
Identifiers: ClinVar variation 4073706 (VCV004073706.1).
Genomic context (GRCh38, chr15:48,136,690, plus strand): 5'-ACTCTAAAATGACTTTCACTTTTAATTTAAAAACACAAATTTCTCTTTTGTAGGTATGAA[G>A]GGGCTTTACTGCTTTTGATATATGGATTGTATGTTTTGGTGCTGTGTTTTGACATTAAAA-3'
Protein context (NP_995322.1, residues 190-210): IYDNQVYWYE[Gly200Arg]ALLLLIYGLY